The following is an entry in ClinVar:

ClinVar aggregate classification (germline): Uncertain significance (1 of 4 stars; one submission).

Conditions:
Familial episodic pain syndrome with predominantly lower limb involvement. Also called: Episodic pain syndrome, familial, 3. Identifiers: Orphanet 391384, Orphanet 391392, MedGen C3809899, MONDO:0014247, OMIM 615552.
Hereditary sensory and autonomic neuropathy type 7. Also called: HSAN VII; Neuropathy, hereditary sensory and autonomic, type VII. Identifiers: Orphanet 391397, MedGen C3809882, MONDO:0014244, OMIM 615548.

Allele frequency attached by ClinVar (database versions not stated): gnomAD exomes 0.00001.
gnomAD v4.1: 7 of 1,611,448 alleles (0.00043%); highest among the groups gnomAD compares: Non-Finnish European, 0.00059%; no homozygotes.

Submission:

Labcorp Genetics (formerly Invitae), Labcorp
Classification: Uncertain significance for Familial episodic pain syndrome with predominantly lower limb involvement; Hereditary sensory and autonomic neuropathy type 7. Last evaluated: 2023-10-03. Review status: criteria provided, single submitter. Criteria: Invitae Variant Classification Sherloc (09022015). Collection method: clinical testing. Allele origin: germline.
Comment: This sequence change creates a premature translational stop signal (p.Glu993*) in the SCN11A gene. It is expected to result in an absent or disrupted protein product. However, the current clinical and genetic evidence is not sufficient to establish whether loss-of-function variants in SCN11A cause disease. This variant is not present in population databases (gnomAD no frequency). This variant has not been reported in the literature in individuals affected with SCN11A-related conditions. Algorithms developed to predict the effect of sequence changes on RNA splicing suggest that this variant may disrupt the consensus splice site. In summary, the available evidence is currently insufficient to determine the role of this variant in disease. Therefore, it has been classified as a Variant of Uncertain Significance.

NM_001349253.2(SCN11A):c.2977G>T (p.Glu993Ter)

Gene: SCN11A (sodium voltage-gated channel alpha subunit 11; minus strand). Cytogenetic location: 3p22.2.
Variant type: single nucleotide variant.
Coding change: c.2977G>T on transcript NM_001349253.2 (MANE Select); coding-DNA position 2977, G replaced by T.
Protein change: p.Glu993Ter; replaces glutamic acid 993 with a stop codon.
Molecular consequence: nonsense.
Genome position (GRCh38, 1-based): chr3:38,885,375, C>A on the plus strand (G>T on the coding strand, the complement: SCN11A is on the minus strand). VCF-style: chr3-38885375-C-A. GRCh37 (hg19) VCF-style: chr3-38926866-C-A.
Other names: c.2977G>T, p.Glu993Ter (NM_014139.3); short protein forms E993*.
Identifiers: ClinVar variation 2948496 (VCV002948496.3), dbSNP rs1553635622, ClinGen allele CA352173806.